The following is an entry in ClinVar:

NM_021153.4(CDH19):c.954A>T (p.Leu318Phe)

Gene: CDH19 (cadherin 19; minus strand). Cytogenetic location: 18q22.1.
Variant type: single nucleotide variant.
Coding change: c.954A>T on transcript NM_021153.4 (MANE Select); coding-DNA position 954, A replaced by T.
Protein change: p.Leu318Phe; replaces leucine 318 with phenylalanine.
Molecular consequence: missense variant. On other transcripts: non-coding transcript variant (1).
Genome position (GRCh38, 1-based): chr18:66,544,725, T>A on the plus strand (A>T on the coding strand, the complement: CDH19 is on the minus strand). VCF-style: chr18-66544725-T-A. GRCh37 (hg19) VCF-style: chr18-64211962-T-A.
Other names: c.954A>T, p.Leu318Phe (NM_001271028.2); short protein forms L318F.
Identifiers: ClinVar variation 3358007 (VCV003358007.1).
Genomic context (GRCh38, chr18:66,544,725, plus strand): 5'-GTTATGTTTTAATTTTGCGCTATTCTGCAAGGCAAATAATTTTAACATGTCTACCTTTTT[T>A]AATATAACTATTCCTTCTTGAGTTTCATGATTAGTAATAATGTCAAATGTTTGCGAATCA-3'
Protein context (NP_066976.1, residues 308-328): NHETQEGIVI[Leu318Phe]KKKVDFEHQN

ClinVar aggregate classification (germline): Uncertain significance (0 of 4 stars; one submission).

Conditions:
CDH19-related disorder. Also called: CDH19-related condition.

gnomAD v4.1: 11 of 1,595,950 alleles (0.00069%); highest among the groups gnomAD compares: Admixed American, 0.0051%; no homozygotes.

Submission:

PreventionGenetics, part of Exact Sciences
Classification: Uncertain significance for CDH19-related condition. Last evaluated: 2024-03-06. Review status: no assertion criteria provided. Collection method: clinical testing. Allele origin: germline.
Comment: The CDH19 c.954A>T variant is predicted to result in the amino acid substitution p.Leu318Phe. To our knowledge, this variant has not been reported in the literature. This variant is reported in 0.0093% of alleles in individuals of Latino descent in gnomAD. At this time, the clinical significance of this variant is uncertain due to the absence of conclusive functional and genetic evidence.